The following is an entry in ClinVar:

NM_001145358.2(SIN3A):c.3040G>T (p.Asp1014Tyr)

Gene: SIN3A (SIN3 transcription regulator family member A; minus strand). Cytogenetic location: 15q24.2.
Variant type: single nucleotide variant.
Coding change: c.3040G>T on transcript NM_001145358.2 (MANE Select); coding-DNA position 3040, G replaced by T.
Protein change: p.Asp1014Tyr; replaces aspartic acid 1014 with tyrosine.
Molecular consequence: missense variant.
Genome position (GRCh38, 1-based): chr15:75,384,419, C>A on the plus strand (G>T on the coding strand, the complement: SIN3A is on the minus strand). VCF-style: chr15-75384419-C-A. GRCh37 (hg19) VCF-style: chr15-75676760-C-A.
Other names: c.3040G>T, p.Asp1014Tyr (NM_001145357.2, NM_001437462.1, NM_001437463.1 and 1 more transcripts); short protein forms D1014Y.
Identifiers: ClinVar variation 5008963 (VCV005008963.1).

ClinVar aggregate classification (germline): Uncertain significance (1 of 4 stars; one submission).

Submission:

GeneDx
Classification: Uncertain significance. Last evaluated: 2026-02-17. Review status: criteria provided, single submitter. Criteria: GeneDx Variant Classification Process June 2021. Collection method: clinical testing. Allele origin: germline.
Comment: Not observed at significant frequency in large population cohorts (gnomAD); In silico analysis supports that this missense variant has a deleterious effect on protein structure/function; Has not been previously published as pathogenic or benign to our knowledge